The following is an entry in ClinVar:

ClinVar aggregate classification (germline): Likely benign. Review status: criteria provided, multiple submitters, no conflicts (2 of 4 stars). 6 submissions from 6 submitters: Likely benign (6). Last evaluated 2025-12-11.

Conditions:
Cardiovascular phenotype. Identifiers: MedGen CN230736.

Allele frequency attached by ClinVar (database versions not stated): ESP Exome Variant Server 0.00027.
gnomAD v4.1: 459 of 1,612,588 alleles (0.028%); highest among the groups gnomAD compares: Non-Finnish European, 0.035%; no homozygotes.

Submissions (6):

Labcorp Genetics (formerly Invitae), Labcorp
Classification: Likely benign. Last evaluated: 2025-12-11. Review status: criteria provided, single submitter. Criteria: Invitae Variant Classification Sherloc (09022015). Collection method: clinical testing. Allele origin: germline.

CeGaT Center for Human Genetics Tuebingen
Classification: Likely benign. Last evaluated: 2025-10-01. Review status: criteria provided, single submitter. Criteria: CeGaT Center For Human Genetics Tuebingen Variant Classification Criteria Version 2. Collection method: clinical testing. Allele origin: germline. Affected: yes. Observed: 1 variant allele.
Comment: TNXB: BP4, BP7

Women's Health and Genetics/Laboratory Corporation of America, LabCorp
Classification: Likely benign. Last evaluated: 2025-06-02. Review status: criteria provided, single submitter. Criteria: LabCorp Variant Classification Summary - May 2015. Collection method: clinical testing. Allele origin: germline.

Mayo Clinic Laboratories, Mayo Clinic
Classification: Likely benign. Last evaluated: 2025-01-07. Review status: criteria provided, single submitter. Criteria: ACMG Guidelines, 2015. Collection method: clinical testing. Allele origin: germline. Observed: 1 variant allele.
Comment: BP4, BP7

GeneDx
Classification: Likely benign. Last evaluated: 2020-11-09. Review status: criteria provided, single submitter. Criteria: GeneDx Variant Classification Process June 2021. Collection method: clinical testing. Allele origin: germline. Affected: yes.

Ambry Genetics
Classification: Likely benign for Cardiovascular phenotype. Last evaluated: 2020-01-08. Review status: criteria provided, single submitter. Criteria: Ambry Variant Classification Scheme 2023. Collection method: clinical testing. Allele origin: germline.

NM_001365276.2(TNXB):c.9561C>T (p.Thr3187=)

Gene: TNXB (tenascin XB; minus strand). Cytogenetic location: 6p21.33.
Variant type: single nucleotide variant.
Coding change: c.9561C>T on transcript NM_001365276.2 (MANE Select); coding-DNA position 9561, C replaced by T.
Protein change: p.Thr3187=; no amino-acid change (threonine 3187 retained).
Molecular consequence: synonymous variant.
Genome position (GRCh38, 1-based): chr6:32,049,466, G>A on the plus strand (C>T on the coding strand, the complement: TNXB is on the minus strand). VCF-style: chr6-32049466-G-A. GRCh37 (hg19) VCF-style: chr6-32017243-G-A.
Other names: p.Thr3185=; c.9555C>T, p.Thr3185= (NM_019105.8).
Identifiers: ClinVar variation 1187313 (VCV001187313.13), dbSNP rs376258289, ClinGen allele CA3733487.